The following is an entry in ClinVar:

ClinVar aggregate classification (germline): Benign/Likely benign. Review status: criteria provided, multiple submitters, no conflicts (2 of 4 stars). 5 submissions from 5 submitters: Benign (1); Likely benign (2). 2 of the submissions do not count toward it. Last evaluated 2026-01-25.

Conditions:
A2ML1-related disorder. Also called: A2ML1-related condition.
Nonsyndromic otitis media. Identifiers: MedGen CN233179.

Allele frequency attached by ClinVar (database versions not stated): 1000 Genomes Project 30x 0.00016; TOPMed 0.00018; gnomAD 0.00019 and 0.00020; 1000 Genomes Project 0.00020; gnomAD exomes 0.00030 and 0.00057; ExAC 0.00079.

Submissions (5):

Labcorp Genetics (formerly Invitae), Labcorp
Classification: Likely benign. Last evaluated: 2026-01-25. Review status: criteria provided, single submitter. Criteria: Invitae Variant Classification Sherloc (09022015). Collection method: clinical testing. Allele origin: germline.

CeGaT Center for Human Genetics Tuebingen
Classification: Likely benign. Last evaluated: 2024-10-01. Review status: criteria provided, single submitter. Criteria: CeGaT Center For Human Genetics Tuebingen Variant Classification Criteria Version 2. Collection method: clinical testing. Allele origin: germline. Affected: yes. Observed: 1 variant allele.
Comment: A2ML1: BP4

GeneDx
Classification: Benign. Last evaluated: 2021-10-07. Review status: criteria provided, single submitter. Criteria: GeneDx Variant Classification Process June 2021. Collection method: clinical testing. Allele origin: germline. Affected: yes.

PreventionGenetics, part of Exact Sciences
Classification: Likely benign for A2ML1-related condition. Last evaluated: 2022-02-21. Review status: no assertion criteria provided. Collection method: clinical testing. Allele origin: germline. Not counted in ClinVar's aggregate classification.
Comment: This variant is classified as likely benign based on ACMG/AMP sequence variant interpretation guidelines (Richards et al. 2015 PMID: 25741868, with internal and published modifications).

Department of Molecular and Human Genetics, Baylor College of Medicine
Classification: Uncertain significance for Nonsyndromic otitis media. Last evaluated: 2014-05-28. Review status: no assertion criteria provided. Collection method: research. Allele origin: germline. Affected: yes. Not counted in ClinVar's aggregate classification.

Literature cited by the submitters: PubMed 26121085 (cited by Department of Molecular and Human Genetics, Baylor College of Medicine); PubMed 24824130 (cited by Department of Molecular and Human Genetics, Baylor College of Medicine).

NM_144670.6(A2ML1):c.887T>C (p.Val296Ala)

Gene: A2ML1 (alpha-2-macroglobulin like 1; plus strand). Cytogenetic location: 12p13.31.
Variant type: single nucleotide variant.
Coding change: c.887T>C on transcript NM_144670.6 (MANE Select); coding-DNA position 887, T replaced by C.
Protein change: p.Val296Ala; replaces valine 296 with alanine.
Molecular consequence: missense variant.
Genome position (GRCh38, 1-based): chr12:8,838,367, T>C. VCF-style: chr12-8838367-T-C. GRCh37 (hg19) VCF-style: chr12-8990963-T-C.
Other names: c.887T>C (NM_144670.5); short protein forms V296A.
Identifiers: ClinVar variation 217314 (VCV000217314.28), dbSNP rs192888493, ClinGen allele CA214817.